The following is an entry in ClinVar:

NM_019074.4(DLL4):c.1135G>C (p.Glu379Gln)

Gene: DLL4 (delta like canonical Notch ligand 4; plus strand). Cytogenetic location: 15q15.1.
Variant type: single nucleotide variant.
Coding change: c.1135G>C on transcript NM_019074.4 (MANE Select); coding-DNA position 1135, G replaced by C.
Protein change: p.Glu379Gln; replaces glutamic acid 379 with glutamine.
Molecular consequence: missense variant.
Genome position (GRCh38, 1-based): chr15:40,935,012, G>C. VCF-style: chr15-40935012-G-C. GRCh37 (hg19) VCF-style: chr15-41227210-G-C.
Other names: short protein forms E379Q.
Identifiers: ClinVar variation 4740723 (VCV004740723.1).

ClinVar aggregate classification (germline): Uncertain significance (1 of 4 stars; one submission).

Submission:

Labcorp Genetics (formerly Invitae), Labcorp
Classification: Uncertain significance. Last evaluated: 2025-06-03. Review status: criteria provided, single submitter. Criteria: Invitae Variant Classification Sherloc (09022015). Collection method: clinical testing. Allele origin: germline.
Comment: This sequence change replaces glutamic acid, which is acidic and polar, with glutamine, which is neutral and polar, at codon 379 of the DLL4 protein (p.Glu379Gln). This variant is not present in population databases (gnomAD no frequency). This variant has not been reported in the literature in individuals affected with DLL4-related conditions. Invitae Evidence Modeling of protein sequence and biophysical properties (such as structural, functional, and spatial information, amino acid conservation, physicochemical variation, residue mobility, and thermodynamic stability) indicates that this missense variant is not expected to disrupt DLL4 protein function with a negative predictive value of 80%. In summary, the available evidence is currently insufficient to determine the role of this variant in disease. Therefore, it has been classified as a Variant of Uncertain Significance.